The following is an entry in ClinVar:

ClinVar aggregate classification (germline): Pathogenic (1 of 4 stars; one submission).

Conditions:
Primary ciliary dyskinesia 3. Identifiers: Orphanet 244, MedGen C1837618, MONDO:0012085, OMIM 608644.

Submission:

Myriad Genetics, Inc.
Classification: Pathogenic for Primary ciliary dyskinesia 3. Last evaluated: 2023-12-11. Review status: criteria provided, single submitter. Criteria: Myriad Autosomal Dominant, Autosomal Recessive and X-Linked Classification Criteria (2023). Collection method: clinical testing. Allele origin: unknown.
Comment: NM_001369.2(DNAH5):c.8696delC(P2899Qfs*8) is expected to be pathogenic in the context of primary ciliary dyskinesia, DNAH5-related. This variant is predicted to lead to an abnormal or absent protein product due to the creation of a premature termination codon in DNAH5, a gene where loss-of-function variants are known to be pathogenic. Please note: this variant was assessed in the context of healthy population screening.

NM_001369.3(DNAH5):c.8696del (p.Pro2899fs)

Gene: DNAH5 (dynein axonemal heavy chain 5; minus strand). Cytogenetic location: 5p15.2.
Variant type: Deletion.
Coding change: c.8696del on transcript NM_001369.3 (MANE Select); coding-DNA position 8696, one base deleted (C; older notation c.8696delC).
Protein change: p.Pro2899fs; shifts the reading frame from proline 2899.
Molecular consequence: frameshift variant.
Genome position (GRCh38, 1-based): chr5:13,786,303, G deleted on the plus strand (C on the coding strand, the reverse complement: DNAH5 is on the minus strand); the first of 2 consecutive G bases (chr5:13,786,303-13,786,304); deleting either gives the same sequence. VCF-style (leftmost placement, unchanged base first): chr5-13786302-TG-T. GRCh37 (hg19) VCF-style: chr5-13786411-TG-T.
Other names: short protein forms P2899fs.
Identifiers: ClinVar variation 5012564 (VCV005012564.1).
Genomic context (GRCh38, chr5:13,786,302, plus strand): 5'-CTCATTATAGAGCTGCAGGAACATATTCAGACGCTCTTTTAGGTGACTAAAAGATTCAAT[TG>T]GCTCATAAATTTTAGGTGTTTCAGCATCAGCCTCTTCAGATGTTTCACCTTTGGTGGGAA-3'